The following is an entry in ClinVar:

ClinVar aggregate classification (germline): Uncertain significance (1 of 4 stars; one submission).

Submission:

Women's Health and Genetics/Laboratory Corporation of America, LabCorp
Classification: Uncertain significance. Last evaluated: 2026-01-08. Review status: criteria provided, single submitter. Criteria: LabCorp Variant Classification Summary - May 2015. Collection method: clinical testing. Allele origin: germline.
Comment: Variant summary: The variant involves the duplication of exons 1-93 in the HERC2 gene. A presumed nomenclature of c.(?_-137)_(*724_?)dup has been designated for the purposes of this classification. This duplication includes the entire coding sequence of the gene. As exact breakpoints are unknown, it may extend beyond the annotated region of the gene, to include other flanking genes. The variant was absent in 21694 control chromosomes (gnomAD SV database v2). The available data on variant occurrences in the general population are insufficient to allow any conclusion about variant significance. To our knowledge, no occurrence of c.(?_-137)_(*724_?)dup in individuals affected with HERC2-related conditions and no experimental evidence demonstrating its impact on protein function have been reported. No submitters have cited clinical-significance assessments for this variant to ClinVar. Based on the evidence outlined above, the variant was classified as uncertain significance.

NC_000015.9:g.(?_28356185)_(28567326_?)dup

Gene: HERC2 (HECT and RLD domain containing E3 ubiquitin protein ligase 2; minus strand). Cytogenetic location: 15q13.1.
Variant type: Duplication.
Identifiers: ClinVar variation 4689530 (VCV004689530.1).